The following is an entry in ClinVar:

ClinVar aggregate classification (germline): Pathogenic (1 of 4 stars; one submission).

Submission:

Labcorp Genetics (formerly Invitae), Labcorp
Classification: Pathogenic. Last evaluated: 2023-05-24. Review status: criteria provided, single submitter. Criteria: Invitae Variant Classification Sherloc (09022015). Collection method: clinical testing. Allele origin: germline.
Comment: For these reasons, this variant has been classified as Pathogenic. This variant has not been reported in the literature in individuals affected with EYS-related conditions. This variant is not present in population databases (gnomAD no frequency). This sequence change creates a premature translational stop signal (p.Phe833Leufs*35) in the EYS gene. It is expected to result in an absent or disrupted protein product. Loss-of-function variants in EYS are known to be pathogenic (PMID: 18836446, 20333770).

Literature cited by the submitters: PubMed 18836446; PubMed 20333770.

NM_001142800.2(EYS):c.2499del (p.Phe833fs)

Gene: EYS (EGF-like photoreceptor maintenance factor; minus strand). Cytogenetic location: 6q12.
Variant type: Deletion.
Coding change: c.2499del on transcript NM_001142800.2 (MANE Select); coding-DNA position 2499, one base deleted (T; older notation c.2499delT).
Protein change: p.Phe833fs; shifts the reading frame from phenylalanine 833.
Molecular consequence: frameshift variant.
Genome position (GRCh38, 1-based): chr6:64,912,626, A deleted on the plus strand (T on the coding strand, the reverse complement: EYS is on the minus strand); the first of 3 consecutive A bases (chr6:64,912,626-64,912,628); deleting any one gives the same sequence. VCF-style (leftmost placement, unchanged base first): chr6-64912625-CA-C. GRCh37 (hg19) VCF-style: chr6-65622518-CA-C.
Other names: c.2499del, p.Phe833fs (NM_001292009.2); short protein forms F833fs.
Identifiers: ClinVar variation 2703826 (VCV002703826.3), dbSNP rs2533383998, ClinGen allele CA2697553501.